The following is an entry in ClinVar:

NM_005228.5(EGFR):c.541C>G (p.Gln181Glu)

Gene: EGFR (epidermal growth factor receptor; plus strand). Cytogenetic location: 7p11.2.
Variant type: single nucleotide variant.
Coding change: c.541C>G on transcript NM_005228.5 (MANE Select); coding-DNA position 541, C replaced by G.
Protein change: p.Gln181Glu; replaces glutamine 181 with glutamic acid.
Molecular consequence: missense variant. On other transcripts: intron variant (3).
Genome position (GRCh38, 1-based): chr7:55,146,722, C>G. VCF-style: chr7-55146722-C-G. GRCh37 (hg19) VCF-style: chr7-55214415-C-G.
Other names: c.541C>G, p.Gln181Glu (NM_001346898.2, NM_201282.2, NM_201283.2 and 1 more transcripts); c.382C>G, p.Gln128Glu (NM_001346900.2); c.424+3234C>G (NM_001346899.2, NM_001346897.2); c.89-9108C>G (NM_001346941.2); short protein forms Q128E, Q181E.
Identifiers: ClinVar variation 1004363 (VCV001004363.8), dbSNP rs1794784834, ClinGen allele CA367576722.
Genomic context (GRCh38, chr7:55,146,722, plus strand): 5'-AGCATCCAGTGGCGGGACATAGTCAGCAGTGACTTTCTCAGCAACATGTCGATGGACTTC[C>G]AGAACCACCTGGGCAGCTGTAAGTGTCGCATACACACTATCTCTGCCTCCAGCTCCTATG-3'
Protein context (NP_005219.2, residues 171-191): DFLSNMSMDF[Gln181Glu]NHLGSCQKCD

ClinVar aggregate classification (germline): Uncertain significance (1 of 4 stars; one submission).

Conditions:
EGFR-related lung cancer (EGFR). Identifiers: MedGen CN130014.

Submission:

Labcorp Genetics (formerly Invitae), Labcorp
Classification: Uncertain significance for EGFR-related lung cancer. Last evaluated: 2024-05-08. Review status: criteria provided, single submitter. Criteria: Invitae Variant Classification Sherloc (09022015). Collection method: clinical testing. Allele origin: germline.
Comment: This sequence change replaces glutamine, which is neutral and polar, with glutamic acid, which is acidic and polar, at codon 181 of the EGFR protein (p.Gln181Glu). This variant is not present in population databases (gnomAD no frequency). This variant has not been reported in the literature in individuals affected with EGFR-related conditions. ClinVar contains an entry for this variant (Variation ID: 1004363). An algorithm developed to predict the effect of missense changes on protein structure and function (PolyPhen-2) suggests that this variant is likely to be tolerated. In summary, the available evidence is currently insufficient to determine the role of this variant in disease. Therefore, it has been classified as a Variant of Uncertain Significance.